The following is an entry in ClinVar:

ClinVar aggregate classification (germline): Uncertain significance (1 of 4 stars; one submission).

Allele frequency attached by ClinVar (database versions not stated): gnomAD 0.00001; gnomAD exomes 0.00001 and 0.00004; ExAC 0.00006.
gnomAD v4.1: 9 of 1,613,798 alleles (0.00056%); highest among the groups gnomAD compares: Admixed American, 0.013%; no homozygotes.

Submission:

GeneDx
Classification: Uncertain significance. Last evaluated: 2022-02-17. Review status: criteria provided, single submitter. Criteria: GeneDx Variant Classification Process June 2021. Collection method: clinical testing. Allele origin: germline. Affected: yes.
Comment: In silico analysis supports that this missense variant has a deleterious effect on protein structure/function; Has not been previously published as pathogenic or benign to our knowledge

NM_014317.5(PDSS1):c.1204G>A (p.Ala402Thr)

Gene: PDSS1 (decaprenyl diphosphate synthase subunit 1; plus strand). Cytogenetic location: 10p12.1.
Variant type: single nucleotide variant.
Coding change: c.1204G>A on transcript NM_014317.5 (MANE Select); coding-DNA position 1204, G replaced by A.
Protein change: p.Ala402Thr; replaces alanine 402 with threonine.
Molecular consequence: missense variant. On other transcripts: 3 prime UTR variant (1).
Genome position (GRCh38, 1-based): chr10:26,746,429, G>A. VCF-style: chr10-26746429-G-A. GRCh37 (hg19) VCF-style: chr10-27035358-G-A.
Other names: c.*92G>A (NM_001321978.2); c.694G>A, p.Ala232Thr (NM_001321979.2); short protein forms A232T, A402T.
Identifiers: ClinVar variation 1702804 (VCV001702804.2), dbSNP rs761681069, ClinGen allele CA5447169.